The following is an entry in ClinVar:

ClinVar aggregate classification (germline): Uncertain significance (1 of 4 stars; one submission).

gnomAD v4.1: 21 of 1,613,042 alleles (0.0013%); highest among the groups gnomAD compares: Middle Eastern, 0.016%; no homozygotes.

Submission:

GeneDx
Classification: Uncertain significance. Last evaluated: 2023-07-30. Review status: criteria provided, single submitter. Criteria: GeneDx Variant Classification Process June 2021. Collection method: clinical testing. Allele origin: germline. Affected: yes.
Comment: Has not been previously published as pathogenic or benign to our knowledge; In silico analysis supports that this missense variant does not alter protein structure/function

NM_004621.6(TRPC6):c.344G>A (p.Arg115Gln)

Gene: TRPC6 (transient receptor potential cation channel subfamily C member 6; minus strand). Cytogenetic location: 11q22.1.
Variant type: single nucleotide variant.
Coding change: c.344G>A on transcript NM_004621.6 (MANE Select); coding-DNA position 344, G replaced by A.
Protein change: p.Arg115Gln; replaces arginine 115 with glutamine.
Molecular consequence: missense variant.
Genome position (GRCh38, 1-based): chr11:101,504,625, C>T on the plus strand (G>A on the coding strand, the complement: TRPC6 is on the minus strand). VCF-style: chr11-101504625-C-T. GRCh37 (hg19) VCF-style: chr11-101375356-C-T.
Other names: short protein forms R115Q.
Identifiers: ClinVar variation 3361710 (VCV003361710.1).